The following is an entry in ClinVar:

NM_006648.4(WNK2):c.476C>A (p.Ala159Asp)

Gene: WNK2 (WNK lysine deficient protein kinase 2; plus strand). Cytogenetic location: 9q22.31.
Variant type: single nucleotide variant.
Coding change: c.476C>A on transcript NM_006648.4 (MANE Select); coding-DNA position 476, C replaced by A.
Protein change: p.Ala159Asp; replaces alanine 159 with aspartic acid.
Molecular consequence: missense variant.
Genome position (GRCh38, 1-based): chr9:93,185,405, C>A. VCF-style: chr9-93185405-C-A. GRCh37 (hg19) VCF-style: chr9-95947687-C-A.
Other names: c.476C>A, p.Ala159Asp (NM_001282394.3); short protein forms A159D.
Identifiers: ClinVar variation 4201553 (VCV004201553.1).
Genomic context (GRCh38, chr9:93,185,405, plus strand): 5'-CCGACGGCGGCCCCAGGGAGGAGGCGGCGGCGACCGTGAGGAAGGAGGATGAGGGGGCGG[C>A]CGAGGCGAAGCCTGAGCCCGGGCGCACTCGCCGGGACGAGCCCGAAGAGGAGGAGGACGA-3'
Protein context (NP_006639.3, residues 149-169): ATVRKEDEGA[Ala159Asp]EAKPEPGRTR

ClinVar aggregate classification (germline): Uncertain significance (1 of 4 stars; one submission).

Submission:

Ambry Genetics
Classification: Uncertain significance. Last evaluated: 2025-06-24. Review status: criteria provided, single submitter. Criteria: Ambry Variant Classification Scheme 2023. Collection method: clinical testing. Allele origin: germline.
Comment: The p.A159D variant (also known as c.476C>A), located in coding exon 1 of the WNK2 gene, results from a C to A substitution at nucleotide position 476. The alanine at codon 159 is replaced by aspartic acid, an amino acid with dissimilar properties. This amino acid position is conserved. In addition, this alteration is predicted to be tolerated by in silico analysis. Based on the available evidence, the clinical significance of this variant remains unclear.